The following is an entry in ClinVar:

ClinVar aggregate classification (germline): Uncertain significance. Review status: criteria provided, multiple submitters, no conflicts (2 of 4 stars). 2 submissions from 2 submitters: Uncertain significance (2). Last evaluated 2024-06-19.

Conditions:
Hereditary cancer-predisposing syndrome. Also called: Neoplastic Syndromes, Hereditary; Hereditary Cancer Syndrome; Tumor predisposition; Hereditary neoplastic syndrome. Identifiers: Orphanet 140162, MedGen C0027672, MeSH D009386, MONDO:0015356.
Ataxia-telangiectasia syndrome (AT). Also called: LOUIS-BAR SYNDROME; Cerebello-oculocutaneous telangiectasia; Immunodeficiency with ataxia telangiectasia; Ataxia-telangiectasia, complementation group D; AT, COMPLEMENTATION GROUP C; Ataxia-telangiectasia, complementation group E. Identifiers: Orphanet 100, MedGen C0004135, MONDO:0008840, OMIM 208900.

Submissions (2):

Labcorp Genetics (formerly Invitae), Labcorp
Classification: Uncertain significance for Ataxia-telangiectasia syndrome. Last evaluated: 2024-06-19. Review status: criteria provided, single submitter. Criteria: Invitae Variant Classification Sherloc (09022015). Collection method: clinical testing. Allele origin: germline.
Comment: This sequence change replaces leucine, which is neutral and non-polar, with phenylalanine, which is neutral and non-polar, at codon 2169 of the ATM protein (p.Leu2169Phe). This variant is not present in population databases (gnomAD no frequency). This variant has not been reported in the literature in individuals affected with ATM-related conditions. ClinVar contains an entry for this variant (Variation ID: 479018). An algorithm developed to predict the effect of missense changes on protein structure and function (PolyPhen-2) suggests that this variant is likely to be disruptive. In summary, the available evidence is currently insufficient to determine the role of this variant in disease. Therefore, it has been classified as a Variant of Uncertain Significance.

Ambry Genetics
Classification: Uncertain significance for Hereditary cancer-predisposing syndrome. Last evaluated: 2016-08-03. Review status: criteria provided, single submitter. Criteria: Ambry Variant Classification Scheme 2023. Collection method: clinical testing. Allele origin: germline.
Comment: The p.L2169F variant (also known as c.6505C>T), located in coding exon 44 of the ATM gene, results from a C to T substitution at nucleotide position 6505. The leucine at codon 2169 is replaced by phenylalanine, an amino acid with highly similar properties. This variant was not reported in population based cohorts in the following databases: Database of Single Nucleotide Polymorphisms (dbSNP), NHLBI Exome Sequencing Project (ESP), and 1000 Genomes Project. In the ESP, this variant was not observed in 6499 samples (12998 alleles) with coverage at this position. To date, this alteration has been detected with an allele frequency of approximately 0.001% (greater than 180000 alleles tested) in our clinical cohort. This amino acid position is highly conserved in available vertebrate species. In addition, the in silico prediction for this alteration is inconclusive. Since supporting evidence is limited at this time, the clinical significance of this alteration remains unclear.

NM_000051.4(ATM):c.6505C>T (p.Leu2169Phe)

Genes: ATM (ATM serine/threonine kinase; plus strand), C11orf65 (chromosome 11 open reading frame 65; minus strand). Cytogenetic location: 11q22.3.
Variant type: single nucleotide variant.
Coding change: c.6505C>T on transcript NM_000051.4 (MANE Select); coding-DNA position 6505, C replaced by T.
Protein change: p.Leu2169Phe; replaces leucine 2169 with phenylalanine.
Molecular consequence: missense variant. On other transcripts: intron variant (2).
Genome position (GRCh38, 1-based): chr11:108,321,353, C>T. VCF-style: chr11-108321353-C-T. GRCh37 (hg19) VCF-style: chr11-108192080-C-T.
Other names: c.6505C>T, p.Leu2169Phe (NM_001351834.2); c.641-12282G>A (NM_001330368.2); c.*39-12282G>A (NM_001351110.2); short protein forms L2169F.
Identifiers: ClinVar variation 479018 (VCV000479018.9), dbSNP rs1064794157, ClinGen allele CA382554091.